The following is an entry in ClinVar:

NM_145046.5(CALR3):c.1012-9T>C

Gene: CALR3 (calreticulin 3; minus strand). Cytogenetic location: 19p13.11.
Variant type: single nucleotide variant.
Coding change: c.1012-9T>C on transcript NM_145046.5 (MANE Select); 9 bases into the intron before coding-DNA position 1012, T replaced by C.
Molecular consequence: intron variant.
Genome position (GRCh38, 1-based): chr19:16,479,283, A>G on the plus strand (T>C on the coding strand, the complement: CALR3 is on the minus strand). VCF-style: chr19-16479283-A-G. GRCh37 (hg19) VCF-style: chr19-16590094-A-G.
Identifiers: ClinVar variation 241948 (VCV000241948.18), dbSNP rs144370982, ClinGen allele CA9278190.
Genomic context (GRCh38, chr19:16,479,283, plus strand): 5'-CCTTCTTCATTTCCTCCTTGGCCTGTATGGCATCCATCTCCCTTTCTGGACCCTGGAGAA[A>G]GAAAGAAAAAACATAAGCCCCACCGGGTGCGATGGCTCGTGCCTGTAATCCCAGCACTTT-3'

ClinVar aggregate classification (germline): Benign/Likely benign. Review status: criteria provided, multiple submitters, no conflicts (2 of 4 stars). 6 submissions from 6 submitters: Benign (3); Likely benign (1). 2 of the submissions do not count toward it. Last evaluated 2026-01-26.

Conditions:
Hypertrophic cardiomyopathy 19. Also called: Familial hypertrophic cardiomyopathy 19. Identifiers: MedGen CN077603, MONDO:0013476.

Allele frequency attached by ClinVar (database versions not stated): gnomAD exomes 0.00035 and 0.00089; ExAC 0.00090; ESP Exome Variant Server 0.00238; gnomAD 0.00247 and 0.00268; TOPMed 0.00279; 1000 Genomes Project 0.00300; 1000 Genomes Project 30x 0.00390.
gnomAD v4.1: 933 of 1,613,944 alleles (0.058%); highest among the groups gnomAD compares: African/African-American, 0.68%; 3 homozygotes.

Submissions (6):

Labcorp Genetics (formerly Invitae), Labcorp
Classification: Benign for Hypertrophic cardiomyopathy 19. Last evaluated: 2026-01-26. Review status: criteria provided, single submitter. Criteria: Invitae Variant Classification Sherloc (09022015). Collection method: clinical testing. Allele origin: germline.

Blueprint Genetics
Classification: Likely benign. Last evaluated: 2024-11-13. Review status: criteria provided, single submitter. Criteria: ACMG Guidelines, 2015. Collection method: clinical testing. Allele origin: germline.

Women's Health and Genetics/Laboratory Corporation of America, LabCorp
Classification: Benign. Last evaluated: 2017-08-16. Review status: criteria provided, single submitter. Criteria: LabCorp Variant Classification Summary - May 2015. Collection method: clinical testing. Allele origin: germline.
Comment: Variant summary: The CALR3 c.1012-9T>C variant involves the alteration of a non-conserved intronic nucleotide. Mutation taster predicts a benign outcome for this variant. 5/5 splice prediction tools predict no significant impact on normal splicing. However, these predictions have yet to be confirmed by functional studies. This variant was found in 109/121320 control chromosomes from ExAC at a frequency of 0.0008985, which is approximately 36 times the estimated maximal expected allele frequency of a pathogenic CALR3 variant (0.000025), suggesting this variant is likely a benign polymorphism. In addition, one clinical diagnostic laboratory in ClinVar has classified this variant as benign. To our knowledge, this variant has not been reported in affected individuals via publications. Taken together, this variant is classified as benign.

Clinical Genetics DNA and cytogenetics Diagnostics Lab, Erasmus MC, Erasmus Medical Center
Classification: Benign for Hypertrophic cardiomyopathy 1. Last evaluated: 2015-09-21. Review status: criteria provided, single submitter. Criteria: ACGS Guidelines, 2013. Collection method: clinical testing. Allele origin: germline. Affected: yes. Study: VKGL Data-share Consensus.

Clinical Genetics, Academic Medical Center
Classification: Benign. Review status: no assertion criteria provided. Collection method: clinical testing. Allele origin: germline. Affected: yes. Study: VKGL Data-share Consensus. Not counted in ClinVar's aggregate classification.

Genome Diagnostics Laboratory, University Medical Center Utrecht
Classification: Benign. Review status: no assertion criteria provided. Collection method: clinical testing. Allele origin: germline. Affected: yes. Study: VKGL Data-share Consensus. Not counted in ClinVar's aggregate classification.